The following is an entry in ClinVar:

NM_153240.5(NPHP3):c.367A>T (p.Asn123Tyr)

Genes: NPHP3 (nephrocystin 3; minus strand), NPHP3-ACAD11 (NPHP3-ACAD11 readthrough (NMD candidate); minus strand), NPHP3-AS1 (NPHP3 antisense RNA 1; plus strand). Cytogenetic location: 3q22.1.
Variant type: single nucleotide variant.
Coding change: c.367A>T on transcript NM_153240.5 (MANE Select); coding-DNA position 367, A replaced by T.
Protein change: p.Asn123Tyr; replaces asparagine 123 with tyrosine.
Molecular consequence: missense variant. On other transcripts: non-coding transcript variant (3).
Genome position (GRCh38, 1-based): chr3:132,721,989, T>A on the plus strand (A>T on the coding strand, the complement: NPHP3 is on the minus strand). VCF-style: chr3-132721989-T-A. GRCh37 (hg19) VCF-style: chr3-132440833-T-A.
Other names: short protein forms N123Y.
Identifiers: ClinVar variation 2150107 (VCV002150107.2), dbSNP rs1940240748, ClinGen allele CA354588810.

ClinVar aggregate classification (germline): Uncertain significance (1 of 4 stars; one submission).

Conditions:
Nephronophthisis. Also called: Juvenile Nephronophthisis. Identifiers: Orphanet 655, MedGen C0687120, MONDO:0019005, HP:0000090.

Allele frequency attached by ClinVar (database versions not stated): gnomAD 0.00001.
gnomAD v4.1: 1 of 1,612,982 alleles (0.000062%); highest among the groups gnomAD compares: Admixed American, 0.0017%; no homozygotes.

Submission:

Labcorp Genetics (formerly Invitae), Labcorp
Classification: Uncertain significance for Nephronophthisis. Last evaluated: 2023-08-14. Review status: criteria provided, single submitter. Criteria: Invitae Variant Classification Sherloc (09022015). Collection method: clinical testing. Allele origin: germline.
Comment: In summary, the available evidence is currently insufficient to determine the role of this variant in disease. Therefore, it has been classified as a Variant of Uncertain Significance. Advanced modeling of protein sequence and biophysical properties (such as structural, functional, and spatial information, amino acid conservation, physicochemical variation, residue mobility, and thermodynamic stability) performed at Invitae indicates that this missense variant is not expected to disrupt NPHP3 protein function. ClinVar contains an entry for this variant (Variation ID: 2150107). This variant has not been reported in the literature in individuals affected with NPHP3-related conditions. This variant is not present in population databases (gnomAD no frequency). This sequence change replaces asparagine, which is neutral and polar, with tyrosine, which is neutral and polar, at codon 123 of the NPHP3 protein (p.Asn123Tyr).